The following is an entry in ClinVar:

NM_017514.5(PLXNA3):c.2235G>C (p.Gln745His)

Gene: PLXNA3 (plexin A3; plus strand). Cytogenetic location: Xq28.
Variant type: single nucleotide variant.
Coding change: c.2235G>C on transcript NM_017514.5 (MANE Select); coding-DNA position 2235, G replaced by C.
Protein change: p.Gln745His; replaces glutamine 745 with histidine.
Molecular consequence: missense variant.
Genome position (GRCh38, 1-based): chrX:154,465,209, G>C. VCF-style: chrX-154465209-G-C. GRCh37 (hg19) VCF-style: chrX-153693552-G-C.
Other names: short protein forms Q745H.
Identifiers: ClinVar variation 4985605 (VCV004985605.1).

ClinVar aggregate classification (germline): Uncertain significance (1 of 4 stars; one submission).

Conditions:
PLXNA3-related disorder. Also called: PLXNA3-related condition.

gnomAD v4.1: 8 of 1,206,448 alleles (0.00066%); highest among the groups gnomAD compares: Admixed American, 0.0022%; no homozygotes.

Submission:

PreventionGenetics, part of Exact Sciences
Classification: Uncertain significance for PLXNA3-related condition. Last evaluated: 2026-06-29. Review status: criteria provided, single submitter. Criteria: ACMG Guidelines, 2015. Collection method: clinical testing. Allele origin: germline.
Comment: The PLXNA3 c.2235G>C variant is predicted to result in the amino acid substitution p.Gln745His. To our knowledge, this variant has not been reported in the literature. This variant is reported in 0.0093% of alleles in individuals of European (Non-Finnish) descent in gnomAD. At this time, the clinical significance of this variant is uncertain due to the absence of conclusive functional and genetic evidence.